The following is an entry in ClinVar:

NM_000138.5(FBN1):c.4585dup (p.Thr1529fs)

Gene: FBN1 (fibrillin 1; minus strand). Cytogenetic location: 15q21.1.
Variant type: Duplication.
Coding change: c.4585dup on transcript NM_000138.5 (MANE Select); coding-DNA position 4585, one base duplicated (A; older notation c.4585dupA).
Protein change: p.Thr1529fs; shifts the reading frame from threonine 1529.
Molecular consequence: frameshift variant.
Genome position (GRCh38, 1-based): chr15:48,468,100, T duplicated on the plus strand (A on the coding strand, the reverse complement: FBN1 is on the minus strand). VCF-style (leftmost placement, unchanged base first): chr15-48468099-G-GT. GRCh37 (hg19) VCF-style: chr15-48760296-G-GT.
Other names: short protein forms T1529fs.
Identifiers: ClinVar variation 1454160 (VCV001454160.6), dbSNP rs2141272535, ClinGen allele CA2573150813.

ClinVar aggregate classification (germline): Pathogenic (1 of 4 stars; one submission).

Conditions:
Marfan syndrome (MFS). Also called: MARFAN SYNDROME, TYPE I; Marfan syndrome type 1; Marfan's syndrome; Marfan syndrome, classic; FBN1-Related Marfan Syndrome. Identifiers: Orphanet 284963, Orphanet 558, MedGen C0024796, MONDO:0007947, OMIM 154700.
Familial thoracic aortic aneurysm and aortic dissection (TAAD). Also called: Thoracic aortic aneurysms and dissections. Identifiers: Orphanet 91387, MedGen C4707243, MONDO:0019625.

Submission:

Labcorp Genetics (formerly Invitae), Labcorp
Classification: Pathogenic for Marfan syndrome; Familial thoracic aortic aneurysm and aortic dissection. Last evaluated: 2021-10-06. Review status: criteria provided, single submitter. Criteria: Invitae Variant Classification Sherloc (09022015). Collection method: clinical testing. Allele origin: germline.
Comment: For these reasons, this variant has been classified as Pathogenic. This premature translational stop signal has been observed in individual(s) with Marfan syndrome (Invitae). This variant is not present in population databases (ExAC no frequency). This sequence change creates a premature translational stop signal (p.Thr1529Asnfs*24) in the FBN1 gene. It is expected to result in an absent or disrupted protein product. Loss-of-function variants in FBN1 are known to be pathogenic (PMID: 17657824, 19293843).

Literature cited by the submitters: PubMed 17657824; PubMed 19293843.